The following is an entry in ClinVar:

ClinVar aggregate classification (germline): Uncertain significance (1 of 4 stars; one submission).

Conditions:
Hereditary sensory and autonomic neuropathy type 6. Also called: Neuropathy, hereditary sensory and autonomic, type VI; HSAN VI. Identifiers: Orphanet 314381, MedGen C3539003, MONDO:0013839, OMIM 614653.
Epidermolysis bullosa simplex 3, localized or generalized intermediate, with BP230 deficiency (EBS3). Also called: Epidermolysis bullosa simplex due to BP230 deficiency; Epidermolysis bullosa simplex, autosomal recessive 2. Identifiers: Orphanet 412181, MedGen C3809470, MONDO:0014180, OMIM 615425.

Allele frequency attached by ClinVar (database versions not stated): ExAC 0.00002; gnomAD exomes 0.00003.
gnomAD v4.1: 11 of 1,612,670 alleles (0.00068%); highest among the groups gnomAD compares: East Asian, 0.0089%; no homozygotes.

Submission:

Labcorp Genetics (formerly Invitae), Labcorp
Classification: Uncertain significance for Epidermolysis bullosa simplex 3, localized or generalized intermediate, with BP230 deficiency; Hereditary sensory and autonomic neuropathy type 6. Last evaluated: 2021-08-30. Review status: criteria provided, single submitter. Criteria: Invitae Variant Classification Sherloc (09022015). Collection method: clinical testing. Allele origin: germline.
Comment: This sequence change replaces arginine with histidine at codon 116 of the DST protein (p.Arg116His). The arginine residue is highly conserved and there is a small physicochemical difference between arginine and histidine. This variant is present in population databases (rs751086390, ExAC 0.03%). This variant has not been reported in the literature in individuals affected with DST-related conditions. Algorithms developed to predict the effect of missense changes on protein structure and function (SIFT, PolyPhen-2, Align-GVGD) all suggest that this variant is likely to be disruptive. In summary, the available evidence is currently insufficient to determine the role of this variant in disease. Therefore, it has been classified as a Variant of Uncertain Significance.

NM_001374736.1(DST):c.1958G>A (p.Arg653His)

Gene: DST (dystonin; minus strand). Cytogenetic location: 6p12.1.
Variant type: single nucleotide variant.
Coding change: c.1958G>A on transcript NM_001374736.1 (MANE Select); coding-DNA position 1958, G replaced by A.
Protein change: p.Arg653His; replaces arginine 653 with histidine.
Molecular consequence: missense variant.
Genome position (GRCh38, 1-based): chr6:56,642,016, C>T on the plus strand (G>A on the coding strand, the complement: DST is on the minus strand). VCF-style: chr6-56642016-C-T. GRCh37 (hg19) VCF-style: chr6-56506814-C-T.
Other names: c.1859G>A, p.Arg620His (NM_001144769.5); c.1445G>A, p.Arg482His (NM_001144770.2); c.1958G>A, p.Arg653His (NM_001374722.1); c.1325G>A, p.Arg442His (NM_001374729.1, NM_001374730.1, NM_001386100.1 and 1 more transcripts); c.1985G>A, p.Arg662His (NM_001374734.1); c.347G>A, p.Arg116His (NM_001723.7, NM_015548.5); short protein forms R653H, R620H, R116H, R482H, R662H, R442H.
Identifiers: ClinVar variation 1429190 (VCV001429190.5), dbSNP rs751086390, ClinGen allele CA3871524.